The following is an entry in ClinVar:

ClinVar aggregate classification (germline): Uncertain significance (1 of 4 stars; one submission).

Submission:

Labcorp Genetics (formerly Invitae), Labcorp
Classification: Uncertain significance. Last evaluated: 2024-10-15. Review status: criteria provided, single submitter. Criteria: Invitae Variant Classification Sherloc (09022015). Collection method: clinical testing. Allele origin: germline.
Comment: This sequence change replaces serine, which is neutral and polar, with arginine, which is basic and polar, at codon 108 of the PRKCSH protein (p.Ser108Arg). This variant is not present in population databases (gnomAD no frequency). This variant has not been reported in the literature in individuals affected with PRKCSH-related conditions. An algorithm developed to predict the effect of missense changes on protein structure and function (PolyPhen-2) suggests that this variant is likely to be disruptive. In summary, the available evidence is currently insufficient to determine the role of this variant in disease. Therefore, it has been classified as a Variant of Uncertain Significance.

NM_001289104.2(PRKCSH):c.324C>A (p.Ser108Arg)

Gene: PRKCSH (PRKCSH beta subunit of glucosidase II; plus strand). Cytogenetic location: 19p13.2.
Variant type: single nucleotide variant.
Coding change: c.324C>A on transcript NM_001289104.2 (MANE Select); coding-DNA position 324, C replaced by A.
Protein change: p.Ser108Arg; replaces serine 108 with arginine.
Molecular consequence: missense variant.
Genome position (GRCh38, 1-based): chr19:11,438,098, C>A. VCF-style: chr19-11438098-C-A. GRCh37 (hg19) VCF-style: chr19-11548919-C-A.
Other names: c.324C>A, p.Ser108Arg (NM_001001329.3, NM_001289102.2, NM_001289103.2 and 3 more transcripts); short protein forms S108R.
Identifiers: ClinVar variation 3674571 (VCV003674571.2).